The following is an entry in ClinVar:

NM_001853.4(COL9A3):c.389G>T (p.Gly130Val)

Gene: COL9A3 (collagen type IX alpha 3 chain; plus strand). Cytogenetic location: 20q13.33.
Variant type: single nucleotide variant.
Coding change: c.389G>T on transcript NM_001853.4 (MANE Select); coding-DNA position 389, G replaced by T.
Protein change: p.Gly130Val; replaces glycine 130 with valine.
Molecular consequence: missense variant.
Genome position (GRCh38, 1-based): chr20:62,821,776, G>T. VCF-style: chr20-62821776-G-T. GRCh37 (hg19) VCF-style: chr20-61453128-G-T.
Other names: short protein forms G130V.
Identifiers: ClinVar variation 1493023 (VCV001493023.7), dbSNP rs1238737395, ClinGen allele CA409588492.

ClinVar aggregate classification (germline): Uncertain significance. Review status: criteria provided, multiple submitters, no conflicts (2 of 4 stars). 2 submissions from 2 submitters: Uncertain significance (2). Last evaluated 2022-07-05.

Submissions (2):

Labcorp Genetics (formerly Invitae), Labcorp
Classification: Uncertain significance. Last evaluated: 2022-07-05. Review status: criteria provided, single submitter. Criteria: Invitae Variant Classification Sherloc (09022015). Collection method: clinical testing. Allele origin: germline.
Comment: ClinVar contains an entry for this variant (Variation ID: 1493023). This variant has not been reported in the literature in individuals affected with COL9A3-related conditions. This variant is not present in population databases (gnomAD no frequency). Advanced modeling of protein sequence and biophysical properties (such as structural, functional, and spatial information, amino acid conservation, physicochemical variation, residue mobility, and thermodynamic stability) performed at Invitae indicates that this missense variant is expected to disrupt COL9A3 protein function. This sequence change replaces glycine, which is neutral and non-polar, with valine, which is neutral and non-polar, at codon 130 of the COL9A3 protein (p.Gly130Val). In summary, the available evidence is currently insufficient to determine the role of this variant in disease. Therefore, it has been classified as a Variant of Uncertain Significance.

Blueprint Genetics
Classification: Uncertain significance. Last evaluated: 2018-11-22. Review status: criteria provided, single submitter. Criteria: ACMG Guidelines, 2015. Collection method: clinical testing. Allele origin: germline.